The following is an entry in ClinVar:

NM_005461.5(MAFB):c.542A>C (p.Gln181Pro)

Gene: MAFB (MAF bZIP transcription factor B; minus strand). Cytogenetic location: 20q12.
Variant type: single nucleotide variant.
Coding change: c.542A>C on transcript NM_005461.5 (MANE Select); coding-DNA position 542, A replaced by C.
Protein change: p.Gln181Pro; replaces glutamine 181 with proline.
Molecular consequence: missense variant.
Genome position (GRCh38, 1-based): chr20:40,688,309, T>G on the plus strand (A>C on the coding strand, the complement: MAFB is on the minus strand). VCF-style: chr20-40688309-T-G. GRCh37 (hg19) VCF-style: chr20-39316949-T-G.
Other names: short protein forms Q181P.
Identifiers: ClinVar variation 4988408 (VCV004988408.1).

ClinVar aggregate classification (germline): Uncertain significance (1 of 4 stars; one submission).

Conditions:
MAFB-related disorder. Also called: MAFB-related condition.

Submission:

PreventionGenetics, part of Exact Sciences
Classification: Uncertain significance for MAFB-related condition. Last evaluated: 2025-03-12. Review status: criteria provided, single submitter. Criteria: ACMG Guidelines, 2015. Collection method: clinical testing. Allele origin: germline.
Comment: The MAFB c.542A>C variant is predicted to result in the amino acid substitution p.Gln181Pro. To our knowledge, this variant has not been reported in the literature or in a large population database (gnomAD), indicating this variant is rare. At this time, the clinical significance of this variant is uncertain due to the absence of conclusive functional and genetic evidence.